The following is an entry in ClinVar:

NM_014112.5(TRPS1):c.1466C>T (p.Ser489Phe)

Gene: TRPS1 (transcriptional repressor GATA binding 1; minus strand). Cytogenetic location: 8q23.3.
Variant type: single nucleotide variant.
Coding change: c.1466C>T on transcript NM_014112.5 (MANE Select); coding-DNA position 1466, C replaced by T.
Protein change: p.Ser489Phe; replaces serine 489 with phenylalanine.
Molecular consequence: missense variant.
Genome position (GRCh38, 1-based): chr8:115,604,503, G>A on the plus strand (C>T on the coding strand, the complement: TRPS1 is on the minus strand). VCF-style: chr8-115604503-G-A. GRCh37 (hg19) VCF-style: chr8-116616730-G-A.
Other names: c.1439C>T, p.Ser480Phe (NM_001282902.3); c.1445C>T, p.Ser482Phe (NM_001282903.3); c.1427C>T, p.Ser476Phe (NM_001330599.2); short protein forms S476F, S480F, S482F, S489F.
Identifiers: ClinVar variation 2502141 (VCV002502141.1), dbSNP rs2536890527, ClinGen allele CA372067343.

ClinVar aggregate classification (germline): Uncertain significance (1 of 4 stars; one submission).

Allele frequency attached by ClinVar (database versions not stated): gnomAD exomes below 0.00001.
gnomAD v4.1: 1 of 1,614,068 alleles (0.000062%); highest among the groups gnomAD compares: Non-Finnish European, 0.000085%; no homozygotes.

Submission:

GeneDx
Classification: Uncertain significance. Last evaluated: 2022-11-11. Review status: criteria provided, single submitter. Criteria: GeneDx Variant Classification Process June 2021. Collection method: clinical testing. Allele origin: germline. Affected: yes.
Comment: Not observed at significant frequency in large population cohorts (gnomAD); In silico analysis supports that this missense variant does not alter protein structure/function; Has not been previously published as pathogenic or benign to our knowledge